The following is an entry in ClinVar:

ClinVar aggregate classification (germline): Uncertain significance (1 of 4 stars; one submission).

Submission:

GeneDx
Classification: Uncertain significance. Last evaluated: 2022-12-16. Review status: criteria provided, single submitter. Criteria: GeneDx Variant Classification Process June 2021. Collection method: clinical testing. Allele origin: germline. Affected: yes.
Comment: Not observed at significant frequency in large population cohorts (gnomAD); In silico analysis supports that this missense variant has a deleterious effect on protein structure/function; Has not been previously published as pathogenic or benign to our knowledge

NM_001558.4(IL10RA):c.419T>G (p.Leu140Arg)

Gene: IL10RA (interleukin 10 receptor subunit alpha; plus strand). Cytogenetic location: 11q23.3.
Variant type: single nucleotide variant.
Coding change: c.419T>G on transcript NM_001558.4 (MANE Select); coding-DNA position 419, T replaced by G.
Protein change: p.Leu140Arg; replaces leucine 140 with arginine.
Molecular consequence: missense variant. On other transcripts: non-coding transcript variant (1).
Genome position (GRCh38, 1-based): chr11:117,993,292, T>G. VCF-style: chr11-117993292-T-G. GRCh37 (hg19) VCF-style: chr11-117864007-T-G.
Other names: short protein forms L140R.
Identifiers: ClinVar variation 2505627 (VCV002505627.1), dbSNP rs2496780531, ClinGen allele CA382774524.
Genomic context (GRCh38, chr11:117,993,292, plus strand): 5'-TCCATTTAGTGACTCTGACAGTTGGCAGTGTGAACCTAGAGATCCACAATGGCTTCATCC[T>G]CGGGAAGATTCAGCTACCCAGGCCCAAGATGGCCCCCGCAAATGACACATATGAAAGCAT-3'
Protein context (NP_001549.2, residues 130-150): VNLEIHNGFI[Leu140Arg]GKIQLPRPKM